The following is an entry in ClinVar:

NM_001089.3(ABCA3):c.190G>A (p.Glu64Lys)

Gene: ABCA3 (ATP binding cassette subfamily A member 3; minus strand). Cytogenetic location: 16p13.3.
Variant type: single nucleotide variant.
Coding change: c.190G>A on transcript NM_001089.3 (MANE Select); coding-DNA position 190, G replaced by A.
Protein change: p.Glu64Lys; replaces glutamic acid 64 with lysine.
Molecular consequence: missense variant.
Genome position (GRCh38, 1-based): chr16:2,326,139, C>T on the plus strand (G>A on the coding strand, the complement: ABCA3 is on the minus strand). VCF-style: chr16-2326139-C-T. GRCh37 (hg19) VCF-style: chr16-2376140-C-T.
Other names: short protein forms E64K.
Identifiers: ClinVar variation 2826523 (VCV002826523.3), dbSNP rs2505677616, ClinGen allele CA394352379.

ClinVar aggregate classification (germline): Uncertain significance (1 of 4 stars; one submission).

Submission:

Labcorp Genetics (formerly Invitae), Labcorp
Classification: Uncertain significance. Last evaluated: 2023-01-06. Review status: criteria provided, single submitter. Criteria: Invitae Variant Classification Sherloc (09022015). Collection method: clinical testing. Allele origin: germline.
Comment: In summary, the available evidence is currently insufficient to determine the role of this variant in disease. Therefore, it has been classified as a Variant of Uncertain Significance. Algorithms developed to predict the effect of missense changes on protein structure and function (SIFT, PolyPhen-2, Align-GVGD) all suggest that this variant is likely to be tolerated. This variant has not been reported in the literature in individuals affected with ABCA3-related conditions. This variant is not present in population databases (gnomAD no frequency). This sequence change replaces glutamic acid, which is acidic and polar, with lysine, which is basic and polar, at codon 64 of the ABCA3 protein (p.Glu64Lys).